The following is an entry in ClinVar:

ClinVar aggregate classification (germline): Uncertain significance (1 of 4 stars; one submission).

Submission:

Labcorp Genetics (formerly Invitae), Labcorp
Classification: Uncertain significance. Last evaluated: 2022-03-09. Review status: criteria provided, single submitter. Criteria: Invitae Variant Classification Sherloc (09022015). Collection method: clinical testing. Allele origin: germline.
Comment: This variant has not been reported in the literature in individuals affected with CEP250-related conditions. This variant is not present in population databases (gnomAD no frequency). This sequence change replaces leucine, which is neutral and non-polar, with proline, which is neutral and non-polar, at codon 1562 of the CEP250 protein (p.Leu1562Pro). Algorithms developed to predict the effect of missense changes on protein structure and function are either unavailable or do not agree on the potential impact of this missense change (SIFT: "Not Available"; PolyPhen-2: "Probably Damaging"; Align-GVGD: "Not Available"). In summary, the available evidence is currently insufficient to determine the role of this variant in disease. Therefore, it has been classified as a Variant of Uncertain Significance.

NM_007186.6(CEP250):c.4685T>C (p.Leu1562Pro)

Gene: CEP250 (centrosomal protein 250; plus strand). Cytogenetic location: 20q11.22.
Variant type: single nucleotide variant.
Coding change: c.4685T>C on transcript NM_007186.6 (MANE Select); coding-DNA position 4685, T replaced by C.
Protein change: p.Leu1562Pro; replaces leucine 1562 with proline.
Molecular consequence: missense variant.
Genome position (GRCh38, 1-based): chr20:35,503,054, T>C. VCF-style: chr20-35503054-T-C. GRCh37 (hg19) VCF-style: chr20-34090882-T-C.
Other names: c.2789T>C, p.Leu930Pro (NM_001318219.1); short protein forms L1562P, L930P.
Identifiers: ClinVar variation 1392401 (VCV001392401.6), dbSNP rs2147155251, ClinGen allele CA408749148.